The following is an entry in ClinVar:

ClinVar aggregate classification (germline): Conflicting classifications of pathogenicity. Review status: criteria provided, conflicting classifications (1 of 4 stars). 2 submissions from 2 submitters: Likely pathogenic (1); Uncertain significance (1). Last evaluated 2025-03-21.

Conditions:
Combined immunodeficiency due to ZAP70 deficiency (IMD48). Also called: Immunodeficiency 48; ZAP70 Deficiency. Identifiers: Orphanet 911, MedGen C2931299, MONDO:0010023, OMIM 269840.

gnomAD v4.1: 2 of 1,614,136 alleles (0.00012%); highest among the groups gnomAD compares: Non-Finnish European, 0.00017%; no homozygotes.

Submissions (2):

National Institute of Allergy and Infectious Diseases - Centralized Sequencing Program, National Institutes of Health
Classification: Likely pathogenic for Combined immunodeficiency due to ZAP70 deficiency. Last evaluated: 2025-03-21. Review status: criteria provided, single submitter. Criteria: ACMG Guidelines, 2015. Collection method: clinical testing. Allele origin: germline. Affected: yes.
Comment: This variant has been observed in trans with c.733G>A (p.Gly245Arg) in a patient with decreased T-cell receptor excision circles (PMIDs: 28603521, 27484032). It affects a highly conserved proline within the kinase domain of ZAP70. In silico predictions suggest a damaging effect, and ex vivo functional assays (internal data, submitted for publication) demonstrate reduced levels of phosphorylated ZAP70 and downstream signaling pathways upon T-cell receptor (TCR) stimulation supporting a deleterious impact on protein function.

Blueprint Genetics
Classification: Uncertain significance. Last evaluated: 2019-03-23. Review status: criteria provided, single submitter. Criteria: ACMG Guidelines, 2015. Collection method: clinical testing. Allele origin: germline.

Literature cited by the submitters: PubMed 28603521 (cited by National Institute of Allergy and Infectious Diseases - Centralized Sequencing Program, National Institutes of Health); PubMed 35753512 (cited by National Institute of Allergy and Infectious Diseases - Centralized Sequencing Program, National Institutes of Health); PubMed 27577878 (cited by National Institute of Allergy and Infectious Diseases - Centralized Sequencing Program, National Institutes of Health).

NM_001079.4(ZAP70):c.1505C>T (p.Pro502Leu)

Gene: ZAP70 (zeta chain of T cell receptor associated protein kinase 70; plus strand). Cytogenetic location: 2q11.2.
Variant type: single nucleotide variant.
Coding change: c.1505C>T on transcript NM_001079.4 (MANE Select); coding-DNA position 1505, C replaced by T.
Protein change: p.Pro502Leu; replaces proline 502 with leucine.
Molecular consequence: missense variant.
Genome position (GRCh38, 1-based): chr2:97,737,779, C>T. VCF-style: chr2-97737779-C-T. GRCh37 (hg19) VCF-style: chr2-98354242-C-T.
Other names: c.1505C>T, p.Pro502Leu (NM_001378594.1); c.584C>T, p.Pro195Leu (NM_207519.2); short protein forms P195L, P502L.
Identifiers: ClinVar variation 3775169 (VCV003775169.2).